The following is an entry in ClinVar:

ClinVar aggregate classification (germline): Likely benign. Review status: criteria provided, multiple submitters, no conflicts (2 of 4 stars). 7 submissions from 7 submitters: Likely benign (6). 1 of the submissions does not count toward it. Last evaluated 2025-08-18.

Conditions:
MYH7-related disorder. Also called: MYH7-related condition; MYH7-related disease; MYH7-related disorders.
Cardiomyopathy (CMYO). Also called: Cardiomyopathies. Identifiers: Orphanet 167848, MedGen C0878544, MONDO:0004994, HP:0001638. Inheritance: Various modes of inheritance.
Hypertrophic cardiomyopathy. Also called: HYPERTROPHIC MYOCARDIOPATHY. Identifiers: Orphanet 217569, MedGen C0007194, MeSH D002312, MONDO:0005045, HP:0001639.

Allele frequency attached by ClinVar (database versions not stated): TOPMed 0.00001; ExAC 0.00002; gnomAD 0.00004.
gnomAD v4.1: 75 of 1,610,758 alleles (0.0047%); highest among the groups gnomAD compares: Non-Finnish European, 0.0053%; no homozygotes.

Submissions (7):

Labcorp Genetics (formerly Invitae), Labcorp
Classification: Likely benign for Hypertrophic cardiomyopathy. Last evaluated: 2025-08-18. Review status: criteria provided, single submitter. Criteria: Invitae Variant Classification Sherloc (09022015). Collection method: clinical testing. Allele origin: germline.

Women's Health and Genetics/Laboratory Corporation of America, LabCorp
Classification: Likely benign. Last evaluated: 2025-04-28. Review status: criteria provided, single submitter. Criteria: LabCorp Variant Classification Summary - May 2015. Collection method: clinical testing. Allele origin: germline.

All of Us Research Program, National Institutes of Health
Classification: Likely benign for Cardiomyopathy. Last evaluated: 2024-07-20. Review status: criteria provided, single submitter. Criteria: ACMG Guidelines, 2015. Collection method: clinical testing. Allele origin: germline. Inheritance: Autosomal dominant inheritance. Observed: 9 variant alleles, 9 heterozygotes.
Comment: This study involves interpretation of variants in research participants for the purpose of population health screening. Participant phenotype was not available at the time of variant classification. Additional details can be found in publication PMID: 35346344, PMCID: PMC8962531

Blueprint Genetics
Classification: Likely benign. Last evaluated: 2022-08-24. Review status: criteria provided, single submitter. Criteria: ACMG Guidelines, 2015. Collection method: clinical testing. Allele origin: germline.

Color Diagnostics, LLC DBA Color Health
Classification: Likely benign for Cardiomyopathy. Last evaluated: 2019-12-29. Review status: criteria provided, single submitter. Criteria: ACMG Guidelines, 2015. Collection method: clinical testing. Allele origin: germline.

GeneDx
Classification: Likely benign. Last evaluated: 2019-11-14. Review status: criteria provided, single submitter. Criteria: GeneDx Variant Classification Process June 2021. Collection method: clinical testing. Allele origin: germline. Affected: yes.

PreventionGenetics, part of Exact Sciences
Classification: Likely benign for MYH7-related condition. Last evaluated: 2020-09-02. Review status: no assertion criteria provided. Collection method: clinical testing. Allele origin: germline. Not counted in ClinVar's aggregate classification.
Comment: This variant is classified as likely benign based on ACMG/AMP sequence variant interpretation guidelines (Richards et al. 2015 PMID: 25741868, with internal and published modifications).

NM_000257.4(MYH7):c.5560-7C>T

Gene: MYH7 (myosin heavy chain 7; minus strand). Cytogenetic location: 14q11.2.
Variant type: single nucleotide variant.
Coding change: c.5560-7C>T on transcript NM_000257.4 (MANE Select); 7 bases into the intron before coding-DNA position 5560, C replaced by T.
Molecular consequence: intron variant.
Genome position (GRCh38, 1-based): chr14:23,414,109, G>A on the plus strand (C>T on the coding strand, the complement: MYH7 is on the minus strand). VCF-style: chr14-23414109-G-A. GRCh37 (hg19) VCF-style: chr14-23883318-G-A.
Identifiers: ClinVar variation 525050 (VCV000525050.23), dbSNP rs778224065, ClinGen allele CA047518.